The following is an entry in ClinVar:

ClinVar aggregate classification (germline): Uncertain significance. Review status: criteria provided, multiple submitters, no conflicts (2 of 4 stars). 3 submissions from 3 submitters: Uncertain significance (3). Last evaluated 2025-03-17.

Conditions:
Nephronophthisis 14 (NPHP14). Identifiers: Orphanet 2318, MedGen C3539071, MONDO:0013916, OMIM 614844.

Allele frequency attached by ClinVar (database versions not stated): ExAC 0.00002; gnomAD exomes 0.00002 and 0.00003; gnomAD 0.00003 and 0.00004; TOPMed 0.00005.
gnomAD v4.1: 38 of 1,613,996 alleles (0.0024%); highest among the groups gnomAD compares: Admixed American, 0.012%; no homozygotes.

Submissions (3):

Labcorp Genetics (formerly Invitae), Labcorp
Classification: Uncertain significance for Nephronophthisis 14. Last evaluated: 2025-03-17. Review status: criteria provided, single submitter. Criteria: Invitae Variant Classification Sherloc (09022015). Collection method: clinical testing. Allele origin: germline.
Comment: This sequence change replaces proline, which is neutral and non-polar, with serine, which is neutral and polar, at codon 390 of the ZNF423 protein (p.Pro390Ser). This variant is present in population databases (rs769556629, gnomAD 0.009%). This variant has not been reported in the literature in individuals affected with ZNF423-related conditions. ClinVar contains an entry for this variant (Variation ID: 1427590). Invitae Evidence Modeling of protein sequence and biophysical properties (such as structural, functional, and spatial information, amino acid conservation, physicochemical variation, residue mobility, and thermodynamic stability) indicates that this missense variant is not expected to disrupt ZNF423 protein function with a negative predictive value of 80%. In summary, the available evidence is currently insufficient to determine the role of this variant in disease. Therefore, it has been classified as a Variant of Uncertain Significance.

GeneDx
Classification: Uncertain significance. Last evaluated: 2025-02-19. Review status: criteria provided, single submitter. Criteria: GeneDx Variant Classification Process June 2021. Collection method: clinical testing. Allele origin: germline. Affected: yes.
Comment: In silico analysis indicates that this missense variant does not alter protein structure/function; Has not been previously published as pathogenic or benign to our knowledge

Ambry Genetics
Classification: Uncertain significance. Last evaluated: 2022-08-02. Review status: criteria provided, single submitter. Criteria: Ambry Variant Classification Scheme 2023. Collection method: clinical testing. Allele origin: germline.

NM_001379286.1(ZNF423):c.1192C>T (p.Pro398Ser)

Gene: ZNF423 (zinc finger protein 423; minus strand). Cytogenetic location: 16q12.1.
Variant type: single nucleotide variant.
Coding change: c.1192C>T on transcript NM_001379286.1 (MANE Select); coding-DNA position 1192, C replaced by T.
Protein change: p.Pro398Ser; replaces proline 398 with serine.
Molecular consequence: missense variant.
Genome position (GRCh38, 1-based): chr16:49,637,984, G>A on the plus strand (C>T on the coding strand, the complement: ZNF423 is on the minus strand). VCF-style: chr16-49637984-G-A. GRCh37 (hg19) VCF-style: chr16-49671895-G-A.
Other names: c.1168C>T (NM_015069.3, NM_015069.2); c.988C>T, p.Pro330Ser (NM_001271620.2); c.817C>T, p.Pro273Ser (NM_001330533.2); c.1168C>T, p.Pro390Ser (NM_015069.5); short protein forms P330S, P398S, P390S, P273S.
Identifiers: ClinVar variation 1427590 (VCV001427590.6), dbSNP rs769556629, ClinGen allele CA8046738.